The following is an entry in ClinVar:

ClinVar aggregate classification (germline): Benign/Likely benign. Review status: criteria provided, multiple submitters, no conflicts (2 of 4 stars). 7 submissions from 7 submitters: Benign (6); Likely benign (1). Last evaluated 2026-01-26.

Conditions:
Cardiovascular phenotype. Identifiers: MedGen CN230736.
Hypercholesterolemia, familial, 4 (FHCL4). Also called: HYPERCHOLESTEROLEMIA, AUTOSOMAL RECESSIVE, 1; HYPERCHOLESTEROLEMIA, AUTOSOMAL RECESSIVE, 2. Identifiers: Orphanet 391665, MedGen C1863512, MONDO:0011374, OMIM 603813.

Submissions (7):

Labcorp Genetics (formerly Invitae), Labcorp
Classification: Benign for Hypercholesterolemia, familial, 4. Last evaluated: 2026-01-26. Review status: criteria provided, single submitter. Criteria: Invitae Variant Classification Sherloc (09022015). Collection method: clinical testing. Allele origin: germline.

Molecular Diagnostic Laboratory for Inherited Cardiovascular Disease, Montreal Heart Institute
Classification: Likely benign. Last evaluated: 2025-04-09. Review status: criteria provided, single submitter. Criteria: ACMG Guidelines, 2015. Collection method: clinical testing. Allele origin: germline. Affected: no.

Genome-Nilou Lab
Classification: Benign for Hypercholesterolemia, familial, 4. Last evaluated: 2023-04-11. Review status: criteria provided, single submitter. Criteria: ACMG Guidelines, 2015. Collection method: clinical testing. Allele origin: germline. Affected: no.

GENinCode PLC
Classification: Benign for Hypercholesterolemia, familial, 4. Last evaluated: 2022-08-03. Review status: criteria provided, single submitter. Criteria: ACMG Guidelines, 2015. Collection method: clinical testing. Allele origin: germline.

Women's Health and Genetics/Laboratory Corporation of America, LabCorp
Classification: Benign. Last evaluated: 2022-05-31. Review status: criteria provided, single submitter. Criteria: LabCorp Variant Classification Summary - May 2015. Collection method: clinical testing. Allele origin: germline.
Comment: Variant summary: LDLRAP1 c.653_654delinsTG (p.Thr218Met) results in a non-conservative amino acid change in the encoded protein sequence. Three of five in-silico tools predict a benign effect of the variant on protein function. The variant allele was found at a frequency of 0.0027 in 282284 control chromosomes in the gnomAD database, including 13 homozygotes. The observed variant frequency is approximately 3.5-fold the estimated maximal expected allele frequency for a pathogenic variant in LDLRAP1 causing Familial Hypercholesterolemia phenotype (0.00079), strongly suggesting that the variant is benign. To our knowledge, no occurrence of c.653_654delinsTG in individuals affected with Familial Hypercholesterolemia and no experimental evidence demonstrating its impact on protein function have been reported. Two clinical diagnostic laboratories have submitted clinical-significance assessments for this variant to ClinVar after 2014 without evidence for independent evaluation. Both laboratories classified the variant as benign. Based on the evidence outlined above, the variant was classified as benign.

GeneDx
Classification: Benign. Last evaluated: 2019-10-24. Review status: criteria provided, single submitter. Criteria: GeneDx Variant Classification Process June 2021. Collection method: clinical testing. Allele origin: germline. Affected: yes.

Ambry Genetics
Classification: Benign for Cardiovascular phenotype. Last evaluated: 2016-11-08. Review status: criteria provided, single submitter. Criteria: Ambry Variant Classification Scheme 2023. Collection method: clinical testing. Allele origin: germline.

NM_015627.3(LDLRAP1):c.653_654inv (p.Thr218Met)

Gene: LDLRAP1 (low density lipoprotein receptor adaptor protein 1; plus strand). Cytogenetic location: 1p36.11.
Variant type: Inversion.
Coding change: c.653_654inv on transcript NM_015627.3 (MANE Select).
Protein change: p.Thr218Met; replaces threonine 218 with methionine.
Molecular consequence: missense variant.
Genome position: GRCh38 VCF-style: chr1-25563697-CA-TG. GRCh37 (hg19) VCF-style: chr1-25890188-CA-TG.
Other names: c.653_654invCA (NM_015627.2); c.653_654delCAinsTG (NM_015627.2); c.653_654delinsTG (NM_015627.2); short protein forms T218M.
Identifiers: ClinVar variation 468289 (VCV000468289.23), dbSNP rs386629679, ClinGen allele CA19645723.